The following is an entry in ClinVar:

NM_000368.5(TSC1):c.1766C>T (p.Pro589Leu)

Gene: TSC1 (TSC complex subunit 1; minus strand). Cytogenetic location: 9q34.13.
Variant type: single nucleotide variant.
Coding change: c.1766C>T on transcript NM_000368.5 (MANE Select); coding-DNA position 1766, C replaced by T.
Protein change: p.Pro589Leu; replaces proline 589 with leucine.
Molecular consequence: missense variant. On other transcripts: non-coding transcript variant (5).
Genome position (GRCh38, 1-based): chr9:132,905,812, G>A on the plus strand (C>T on the coding strand, the complement: TSC1 is on the minus strand). VCF-style: chr9-132905812-G-A. GRCh37 (hg19) VCF-style: chr9-135781199-G-A.
Other names: c.1763C>T, p.Pro588Leu (NM_001162426.2, NM_001406597.1, NM_001406598.1 and 6 more transcripts); c.1613C>T, p.Pro538Leu (NM_001162427.2, NM_001406610.1); c.1403C>T, p.Pro468Leu (NM_001362177.2, NM_001406615.1, NM_001406616.1 and 5 more transcripts); c.1766C>T, p.Pro589Leu (NM_001406592.1, NM_001406593.1, NM_001406594.1 and 7 more transcripts); c.1400C>T, p.Pro467Leu (NM_001406620.1, NM_001406621.1, NM_001406622.1 and 2 more transcripts); c.1610C>T, p.Pro537Leu (NM_001406611.1, NM_001406612.1, NM_001406613.1); c.815C>T, p.Pro272Leu (NM_001406626.1); c.812C>T, p.Pro271Leu (NM_001406627.1, NM_001406628.1); and 1 more; short protein forms P271L, P272L, P468L, P238L, P467L, P537L, P588L, P589L.
Identifiers: ClinVar variation 4844222 (VCV004844222.1).
Genomic context (GRCh38, chr9:132,905,812, plus strand): 5'-TCAAAAAGATGATCATACGGGGGAGGCTGCCCGCTTCCAAAGCCCACTCTCGTCGGAGGT[G>A]GAATTTTACAAGGACTGGGAGTGAAGATACTGGTCTCCAAAGAAGTCTGGCATTCCCTGT-3'
Protein context (NP_000359.1, residues 579-599): SIFTPSPCKI[Pro589Leu]PPTRVGFGSG

ClinVar aggregate classification (germline): Uncertain significance (1 of 4 stars; one submission).

Conditions:
Hereditary cancer-predisposing syndrome. Also called: Neoplastic Syndromes, Hereditary; Tumor predisposition; Hereditary Cancer Syndrome; Hereditary neoplastic syndrome. Identifiers: Orphanet 140162, MedGen C0027672, MeSH D009386, MONDO:0015356.

Submission:

Ambry Genetics
Classification: Uncertain significance for Hereditary cancer-predisposing syndrome. Last evaluated: 2026-01-18. Review status: criteria provided, single submitter. Criteria: Ambry Variant Classification Scheme 2023. Collection method: clinical testing. Allele origin: germline.
Comment: The p.P589L variant (also known as c.1766C>T), located in coding exon 13 of the TSC1 gene, results from a C to T substitution at nucleotide position 1766. The proline at codon 589 is replaced by leucine, an amino acid with similar properties. This amino acid position is conserved. In addition, the in silico prediction for this alteration is inconclusive. Based on the available evidence, the clinical significance of this variant remains unclear.